The following is an entry in ClinVar:

ClinVar aggregate classification (germline): Uncertain significance (1 of 4 stars; one submission).

Conditions:
Hereditary cancer-predisposing syndrome. Also called: Neoplastic Syndromes, Hereditary; Tumor predisposition; Hereditary Cancer Syndrome; Hereditary neoplastic syndrome. Identifiers: Orphanet 140162, MedGen C0027672, MeSH D009386, MONDO:0015356.

Submission:

Ambry Genetics
Classification: Uncertain significance for Hereditary cancer-predisposing syndrome. Last evaluated: 2018-07-05. Review status: criteria provided, single submitter. Criteria: Ambry Variant Classification Scheme 2023. Collection method: clinical testing. Allele origin: germline.
Comment: The p.F620Y variant (also known as c.1859T>A), located in coding exon 11 of the PMS2 gene, results from a T to A substitution at nucleotide position 1859. The phenylalanine at codon 620 is replaced by tyrosine, an amino acid with highly similar properties. This amino acid position is highly conserved in available vertebrate species. In addition, the in silico prediction for this alteration is inconclusive. Since supporting evidence is limited at this time, the clinical significance of this alteration remains unclear.

NM_000535.7(PMS2):c.1859T>A (p.Phe620Tyr)

Gene: PMS2 (PMS1 homolog 2, mismatch repair system component; minus strand). Cytogenetic location: 7p22.1.
Variant type: single nucleotide variant.
Coding change: c.1859T>A on transcript NM_000535.7 (MANE Select); coding-DNA position 1859, T replaced by A.
Protein change: p.Phe620Tyr; replaces phenylalanine 620 with tyrosine.
Molecular consequence: missense variant. On other transcripts: non-coding transcript variant (1).
Genome position (GRCh38, 1-based): chr7:5,986,906, A>T on the plus strand (T>A on the coding strand, the complement: PMS2 is on the minus strand). VCF-style: chr7-5986906-A-T. GRCh37 (hg19) VCF-style: chr7-6026537-A-T.
Other names: c.1454T>A, p.Phe485Tyr (NM_001018040.1, NM_001322003.2, NM_001322004.2 and 17 more transcripts); c.1703T>A, p.Phe568Tyr (NM_001322006.2, NM_001406870.1); c.1541T>A, p.Phe514Tyr (NM_001322007.2, NM_001322008.2, NM_001406876.1 and 2 more transcripts); c.1298T>A, p.Phe433Tyr (NM_001322010.2, NM_001406906.1, NM_001406907.1); c.926T>A, p.Phe309Tyr (NM_001322011.2, NM_001322012.2); c.1286T>A, p.Phe429Tyr (NM_001322013.2, NM_001406909.1); c.1859T>A, p.Phe620Tyr (NM_001322014.2, NM_001406871.1, NM_001406872.1); c.1550T>A, p.Phe517Tyr (NM_001322015.2, NM_001406875.1, NM_001406877.1 and 5 more transcripts); and 12 more; short protein forms F465Y, F485Y, F508Y, F568Y, F309Y, F363Y, F433Y, F498Y.
Identifiers: ClinVar variation 1781461 (VCV001781461.2), dbSNP rs2128722234, ClinGen allele CA366739555.